The following is an entry in ClinVar:

ClinVar aggregate classification (germline): Uncertain significance. Review status: criteria provided, multiple submitters, no conflicts (2 of 4 stars). 2 submissions from 2 submitters: Uncertain significance (2). Last evaluated 2024-01-03.

Allele frequency attached by ClinVar (database versions not stated): ExAC 0.00003; gnomAD exomes 0.00004; gnomAD 0.00005 and 0.00006; TOPMed 0.00005; ESP Exome Variant Server 0.00008.
gnomAD v4.1: 38 of 1,613,944 alleles (0.0024%); highest among the groups gnomAD compares: South Asian, 0.0077%; no homozygotes.

Submissions (2):

Blueprint Genetics
Classification: Uncertain significance. Last evaluated: 2024-01-03. Review status: criteria provided, single submitter. Criteria: ACMG Guidelines, 2015. Collection method: clinical testing. Allele origin: germline.

Labcorp Genetics (formerly Invitae), Labcorp
Classification: Uncertain significance. Last evaluated: 2022-09-27. Review status: criteria provided, single submitter. Criteria: Invitae Variant Classification Sherloc (09022015). Collection method: clinical testing. Allele origin: germline.
Comment: This sequence change replaces arginine, which is basic and polar, with glutamine, which is neutral and polar, at codon 856 of the GRM6 protein (p.Arg856Gln). This variant is present in population databases (rs372252788, gnomAD 0.01%). This variant has not been reported in the literature in individuals affected with GRM6-related conditions. ClinVar contains an entry for this variant (Variation ID: 968463). Advanced modeling of protein sequence and biophysical properties (such as structural, functional, and spatial information, amino acid conservation, physicochemical variation, residue mobility, and thermodynamic stability) performed at Invitae indicates that this missense variant is not expected to disrupt GRM6 protein function. In summary, the available evidence is currently insufficient to determine the role of this variant in disease. Therefore, it has been classified as a Variant of Uncertain Significance.

NM_000843.4(GRM6):c.2567G>A (p.Arg856Gln)

Genes: GRM6 (glutamate metabotropic receptor 6; minus strand), ZNF454 (zinc finger protein 454; plus strand). Cytogenetic location: 5q35.3.
Variant type: single nucleotide variant.
Coding change: c.2567G>A on transcript NM_000843.4 (MANE Select); coding-DNA position 2567, G replaced by A.
Protein change: p.Arg856Gln; replaces arginine 856 with glutamine.
Molecular consequence: missense variant.
Genome position (GRCh38, 1-based): chr5:178,981,724, C>T on the plus strand (G>A on the coding strand, the complement: GRM6 is on the minus strand). VCF-style: chr5-178981724-C-T. GRCh37 (hg19) VCF-style: chr5-178408725-C-T.
Other names: short protein forms R856Q.
Identifiers: ClinVar variation 968463 (VCV000968463.8), dbSNP rs372252788, ClinGen allele CA3593504.